The following is an entry in ClinVar:

ClinVar aggregate classification (germline): Uncertain significance (1 of 4 stars; one submission).

Allele frequency attached by ClinVar (database versions not stated): gnomAD exomes below 0.00001.
gnomAD v4.1: 1 of 1,614,142 alleles (0.000062%); highest among the groups gnomAD compares: African/African-American, 0.0013%; no homozygotes.

Submission:

Labcorp Genetics (formerly Invitae), Labcorp
Classification: Uncertain significance. Last evaluated: 2024-01-24. Review status: criteria provided, single submitter. Criteria: Invitae Variant Classification Sherloc (09022015). Collection method: clinical testing. Allele origin: germline.
Comment: This sequence change replaces asparagine, which is neutral and polar, with serine, which is neutral and polar, at codon 324 of the ARHGAP31 protein (p.Asn324Ser). This variant is not present in population databases (gnomAD no frequency). This variant has not been reported in the literature in individuals affected with ARHGAP31-related conditions. ClinVar contains an entry for this variant (Variation ID: 2015542). An algorithm developed to predict the effect of missense changes on protein structure and function (PolyPhen-2) suggests that this variant is likely to be disruptive. In summary, the available evidence is currently insufficient to determine the role of this variant in disease. Therefore, it has been classified as a Variant of Uncertain Significance.

NM_020754.4(ARHGAP31):c.971A>G (p.Asn324Ser)

Gene: ARHGAP31 (Rho GTPase activating protein 31; plus strand). Cytogenetic location: 3q13.33.
Variant type: single nucleotide variant.
Coding change: c.971A>G on transcript NM_020754.4 (MANE Select); coding-DNA position 971, A replaced by G.
Protein change: p.Asn324Ser; replaces asparagine 324 with serine.
Molecular consequence: missense variant.
Genome position (GRCh38, 1-based): chr3:119,393,556, A>G. VCF-style: chr3-119393556-A-G. GRCh37 (hg19) VCF-style: chr3-119112403-A-G.
Other names: short protein forms N324S.
Identifiers: ClinVar variation 2015542 (VCV002015542.4), dbSNP rs2472847626, ClinGen allele CA354033119.